The following is an entry in ClinVar:

NM_006796.3(AFG3L2):c.1244A>G (p.Lys415Arg)

Gene: AFG3L2 (AFG3 like matrix AAA peptidase subunit 2; minus strand). Cytogenetic location: 18p11.21.
Variant type: single nucleotide variant.
Coding change: c.1244A>G on transcript NM_006796.3 (MANE Select); coding-DNA position 1244, A replaced by G.
Protein change: p.Lys415Arg; replaces lysine 415 with arginine.
Molecular consequence: missense variant.
Genome position (GRCh38, 1-based): chr18:12,353,079, T>C on the plus strand (A>G on the coding strand, the complement: AFG3L2 is on the minus strand). VCF-style: chr18-12353079-T-C. GRCh37 (hg19) VCF-style: chr18-12353078-T-C.
Other names: short protein forms K415R.
Identifiers: ClinVar variation 2876689 (VCV002876689.3), dbSNP rs768858248, ClinGen allele CA8896551.

ClinVar aggregate classification (germline): Uncertain significance (1 of 4 stars; one submission).

Allele frequency attached by ClinVar (database versions not stated): TOPMed below 0.00001; gnomAD exomes 0.00001; ExAC 0.00005.
gnomAD v4.1: 9 of 1,614,172 alleles (0.00056%); highest among the groups gnomAD compares: Admixed American, 0.012%; no homozygotes.

Submission:

Labcorp Genetics (formerly Invitae), Labcorp
Classification: Uncertain significance. Last evaluated: 2024-11-18. Review status: criteria provided, single submitter. Criteria: Invitae Variant Classification Sherloc (09022015). Collection method: clinical testing. Allele origin: germline.
Comment: This sequence change replaces lysine, which is basic and polar, with arginine, which is basic and polar, at codon 415 of the AFG3L2 protein (p.Lys415Arg). This variant is present in population databases (rs768858248, gnomAD 0.02%). This variant has not been reported in the literature in individuals affected with AFG3L2-related conditions. ClinVar contains an entry for this variant (Variation ID: 2876689). Invitae Evidence Modeling of protein sequence and biophysical properties (such as structural, functional, and spatial information, amino acid conservation, physicochemical variation, residue mobility, and thermodynamic stability) has been performed for this missense variant. However, the output from this modeling did not meet the statistical confidence thresholds required to predict the impact of this variant on AFG3L2 protein function. In summary, the available evidence is currently insufficient to determine the role of this variant in disease. Therefore, it has been classified as a Variant of Uncertain Significance.